The following is an entry in ClinVar:

ClinVar aggregate classification (germline): Pathogenic/Likely pathogenic. Review status: criteria provided, multiple submitters, no conflicts (2 of 4 stars). 5 submissions from 5 submitters: Pathogenic (4); Likely pathogenic (1). Last evaluated 2025-01-07.

Conditions:
Bethlem myopathy 1C (BTHLM1C). Identifiers: MedGen C5935581, MONDO:0958234, OMIM 620726.
Ullrich congenital muscular dystrophy 1C (UCMD1C). Identifiers: MedGen C5935583, MONDO:0958236, OMIM 620728.
Bethlem myopathy 1A. Also called: Bethlem myopathy 1; MYOPATHY, BENIGN CONGENITAL, WITH CONTRACTURES; Bethlem Muscular Dystrophy. Identifiers: Orphanet 610, MedGen CN029274, MONDO:0024530, OMIM 158810.
Dystonia 27 (DYT27). Identifiers: Orphanet 464440, MedGen C4225336, MONDO:0014627, OMIM 616411.
Ullrich congenital muscular dystrophy 1A. Also called: Ullrich congenital muscular dystrophy 1; Intermediate COL6-RD. Identifiers: Orphanet 75840, MedGen C0410179, MONDO:0009681, OMIM 254090.

Allele frequency attached by ClinVar (database versions not stated): gnomAD exomes below 0.00001; ExAC 0.00001.
gnomAD v4.1: 8 of 1,600,012 alleles (0.0005%); highest among the groups gnomAD compares: Non-Finnish European, 0.00059%; no homozygotes.

Submissions (5):

Labcorp Genetics (formerly Invitae), Labcorp
Classification: Pathogenic for Bethlem myopathy 1A. Last evaluated: 2025-01-07. Review status: criteria provided, single submitter. Criteria: Invitae Variant Classification Sherloc (09022015). Collection method: clinical testing. Allele origin: germline.
Comment: This sequence change creates a premature translational stop signal (p.Arg836*) in the COL6A3 gene. It is expected to result in an absent or disrupted protein product. Loss-of-function variants in COL6A3 are known to be pathogenic (PMID: 26004199). This variant is present in population databases (rs761796175, gnomAD 0.0009%). This variant has not been reported in the literature in individuals affected with COL6A3-related conditions. ClinVar contains an entry for this variant (Variation ID: 419449). For these reasons, this variant has been classified as Pathogenic.

Genetics Department, Catlab
Classification: Pathogenic for Bethlem myopathy 1C; Ullrich congenital muscular dystrophy 1C. Last evaluated: 2024-05-15. Review status: criteria provided, single submitter. Criteria: ACMG Guidelines, 2015. Collection method: clinical testing. Allele origin: germline. Affected: yes. Observed: 1 variant allele.
Comment: The c.2506C>T variant in the COL6A3 gene is a nonsense variant predicted to undergo nonsense mediated decay and loss of function variants have been described as a causing mechanism for the gene (PVS1). The variant is extremely rare in gnomAD 4.1 (AF= 0.000005) (PM2). With all the available evidence, the variant is classified as likely pathogenic.

Revvity Omics, Revvity
Classification: Pathogenic. Last evaluated: 2019-01-31. Review status: criteria provided, single submitter. Criteria: ACMG Guidelines, 2015. Collection method: clinical testing. Allele origin: germline.

GeneDx
Classification: Pathogenic. Last evaluated: 2015-07-28. Review status: criteria provided, single submitter. Criteria: GeneDx Variant Classification (06012015). Collection method: clinical testing. Allele origin: germline. Affected: yes.
Comment: The R836X non-sense variant in the COL6A3 gene has not been reported previously as a pathogenic variant nor as a benign polymorphism, to our knowledge. This variant is predicted to cause loss of normal protein function either through protein truncation or nonsense-mediated mRNA decay. The R836X mutation was not observed in approximately 6500 individuals of European and African American ancestry in the NHLBI Exome Sequencing Project, indicating it is not a common benign variant in these populations. We interpret R836X as a pathogenic variant.

Center for Genomics, Ann and Robert H. Lurie Children's Hospital of Chicago
Classification: Likely pathogenic for Ullrich congenital muscular dystrophy 1A; Dystonia 27; Bethlem myopathy 1A. Review status: criteria provided, single submitter. Criteria: ACMG Guidelines, 2015. Collection method: clinical testing. Allele origin: germline.
Comment: COL6A3 NM_004369.3 exon 7 p.Arg836* (c.2506C>T): This variant has not been reported in the literature and is present in 0.0008% (1/112246) of European alleles in the Genome Aggregation Database. Please note, disease causing variants may be present in control databases at low frequencies, reflective of the general population, carrier status, and/or variable expressivity. This variant is present in ClinVar (Variation ID:419449). Evolutionary conservation and computational predictive tools for this variant are limited or unavailable. This variant is predicted to cause a stopgain at this codon, resulting in protein truncation or loss of allelic expression through nonsense-mediated mRNA decay. Loss of function variants have been reported in association with disease for this gene (Brinas 2010 PMID:20976770). In summary, data on this variant is highly suspicious for disease, but requires further evidence for pathogenicity. Therefore, this variant is classified as likely pathogenic.

Literature cited by the submitters: PubMed 26004199 (cited by Labcorp Genetics (formerly Invitae), Labcorp).

NM_004369.4(COL6A3):c.2506C>T (p.Arg836Ter)

Gene: COL6A3 (collagen type VI alpha 3 chain; minus strand). Cytogenetic location: 2q37.3.
Variant type: single nucleotide variant.
Coding change: c.2506C>T on transcript NM_004369.4 (MANE Select); coding-DNA position 2506, C replaced by T.
Protein change: p.Arg836Ter; replaces arginine 836 with a stop codon.
Molecular consequence: nonsense.
Genome position (GRCh38, 1-based): chr2:237,377,336, G>A on the plus strand (C>T on the coding strand, the complement: COL6A3 is on the minus strand). VCF-style: chr2-237377336-G-A. GRCh37 (hg19) VCF-style: chr2-238285979-G-A.
Other names: c.1285C>T, p.Arg429Ter (NM_057164.5); c.1888C>T, p.Arg630Ter (NM_057165.5, NM_057167.4); c.685C>T, p.Arg229Ter (NM_057166.5); short protein forms R836*, R229*, R429*, R630*.
Identifiers: ClinVar variation 419449 (VCV000419449.14), dbSNP rs761796175, ClinGen allele CA2189382.